The following is an entry in ClinVar:

NM_003995.4(NPR2):c.193C>T (p.Arg65Trp)

Gene: NPR2 (natriuretic peptide receptor 2; plus strand). Cytogenetic location: 9p13.3.
Variant type: single nucleotide variant.
Coding change: c.193C>T on transcript NM_003995.4 (MANE Select); coding-DNA position 193, C replaced by T.
Protein change: p.Arg65Trp; replaces arginine 65 with tryptophan.
Molecular consequence: missense variant.
Genome position (GRCh38, 1-based): chr9:35,792,601, C>T. VCF-style: chr9-35792601-C-T. GRCh37 (hg19) VCF-style: chr9-35792598-C-T.
Other names: c.193C>T, p.Arg65Trp (NM_001378923.1); c.193C>T (NM_003995.3); short protein forms R65W.
Identifiers: ClinVar variation 1468903 (VCV001468903.7), dbSNP rs906456007, ClinGen allele CA192760706.

ClinVar aggregate classification (germline): Uncertain significance. Review status: criteria provided, multiple submitters, no conflicts (2 of 4 stars). 2 submissions from 2 submitters: Uncertain significance (2). Last evaluated 2025-11-24.

Conditions:
Inborn genetic diseases. Identifiers: MedGen C0950123, MeSH D030342.
Acromesomelic dysplasia 1, Maroteaux type (AMD1). Also called: ST. HELENA DYSPLASIA; ACROMESOMELIC DYSPLASIA 1. Identifiers: Orphanet 40, MedGen C1864356, MONDO:0011275, OMIM 602875.
Tall stature-scoliosis-macrodactyly of the great toes syndrome. Also called: Epiphyseal chondrodysplasia, miura type. Identifiers: Orphanet 329191, MedGen C4014690, MONDO:0014401, OMIM 615923.

Allele frequency attached by ClinVar (database versions not stated): gnomAD exomes 0.00001 and 0.00002.
gnomAD v4.1: 22 of 1,613,556 alleles (0.0014%); highest among the groups gnomAD compares: Non-Finnish European, 0.0019%; no homozygotes.

Submissions (2):

Labcorp Genetics (formerly Invitae), Labcorp
Classification: Uncertain significance for Tall stature-scoliosis-macrodactyly of the great toes syndrome; Acromesomelic dysplasia 1, Maroteaux type. Last evaluated: 2025-11-24. Review status: criteria provided, single submitter. Criteria: Invitae Variant Classification Sherloc (09022015). Collection method: clinical testing. Allele origin: germline.
Comment: This sequence change replaces arginine, which is basic and polar, with tryptophan, which is neutral and slightly polar, at codon 65 of the NPR2 protein (p.Arg65Trp). This variant is present in population databases (no rsID available, gnomAD 0.002%). This variant has not been reported in the literature in individuals affected with NPR2-related conditions. ClinVar contains an entry for this variant (Variation ID: 1468903). Invitae Evidence Modeling of protein sequence and biophysical properties (such as structural, functional, and spatial information, amino acid conservation, physicochemical variation, residue mobility, and thermodynamic stability) indicates that this missense variant is not expected to disrupt NPR2 protein function with a negative predictive value of 80%. In summary, the available evidence is currently insufficient to determine the role of this variant in disease. Therefore, it has been classified as a Variant of Uncertain Significance.

Ambry Genetics
Classification: Uncertain significance for Inborn genetic diseases. Last evaluated: 2025-05-26. Review status: criteria provided, single submitter. Criteria: Ambry Variant Classification Scheme 2023. Collection method: clinical testing. Allele origin: germline.